The following is an entry in ClinVar:

NM_000138.5(FBN1):c.2494T>C (p.Cys832Arg)

Gene: FBN1 (fibrillin 1; minus strand). Cytogenetic location: 15q21.1.
Variant type: single nucleotide variant.
Coding change: c.2494T>C on transcript NM_000138.5 (MANE Select); coding-DNA position 2494, T replaced by C.
Protein change: p.Cys832Arg; replaces cysteine 832 with arginine.
Molecular consequence: missense variant.
Genome position (GRCh38, 1-based): chr15:48,495,514, A>G on the plus strand (T>C on the coding strand, the complement: FBN1 is on the minus strand). VCF-style: chr15-48495514-A-G. GRCh37 (hg19) VCF-style: chr15-48787711-A-G.
Other names: c.2494T>C, p.Cys832Arg (NM_001406716.1); short protein forms C832R.
Identifiers: ClinVar variation 2152240 (VCV002152240.4), dbSNP rs2505571907, ClinGen allele CA392334417.

ClinVar aggregate classification (germline): Pathogenic (1 of 4 stars; one submission).

Conditions:
Familial thoracic aortic aneurysm and aortic dissection (TAAD). Also called: Thoracic aortic aneurysms and dissections. Identifiers: Orphanet 91387, MedGen C4707243, MONDO:0019625.
Marfan syndrome (MFS). Also called: MARFAN SYNDROME, TYPE I; Marfan syndrome type 1; Marfan's syndrome; Marfan syndrome, classic; FBN1-Related Marfan Syndrome. Identifiers: Orphanet 284963, Orphanet 558, MedGen C0024796, MONDO:0007947, OMIM 154700.

Submission:

Labcorp Genetics (formerly Invitae), Labcorp
Classification: Pathogenic for Marfan syndrome; Familial thoracic aortic aneurysm and aortic dissection. Last evaluated: 2024-09-27. Review status: criteria provided, single submitter. Criteria: Invitae Variant Classification Sherloc (09022015). Collection method: clinical testing. Allele origin: germline.
Comment: This sequence change replaces cysteine, which is neutral and slightly polar, with arginine, which is basic and polar, at codon 832 of the FBN1 protein (p.Cys832Arg). This variant is not present in population databases (gnomAD no frequency). This missense change has been observed in individual(s) with clinical features of Marfan syndrome (PMID: 28277377). It has also been observed to segregate with disease in related individuals. ClinVar contains an entry for this variant (Variation ID: 2152240). Invitae Evidence Modeling of protein sequence and biophysical properties (such as structural, functional, and spatial information, amino acid conservation, physicochemical variation, residue mobility, and thermodynamic stability) indicates that this missense variant is expected to disrupt FBN1 protein function with a positive predictive value of 95%. This variant affects a cysteine residue in the EGF-like, TGFBP or hybrid motif domains of FBN1. Cysteine residues are believed to be involved in intramolecular disulfide bridges and have been shown to be important for FBN1 protein structure (PMID: 16905551, 19349279). In addition, missense substitutions affecting cysteine residues within these domains are significantly overrepresented among patients with Marfan syndrome (PMID: 16571647, 17701892). For these reasons, this variant has been classified as Pathogenic.

Literature cited by the submitters: PubMed 28277377; PubMed 16905551; PubMed 19349279; PubMed 16571647; PubMed 17701892.